The following is an entry in ClinVar:

ClinVar aggregate classification (germline): Uncertain significance (1 of 4 stars; one submission).

Conditions:
Fanconi anemia (FA). Also called: Fanconi's anemia. Identifiers: Orphanet 84, MedGen C0015625, MeSH D005199, MONDO:0019391.

Allele frequency attached by ClinVar (database versions not stated): TOPMed 0.00001.

Submission:

Labcorp Genetics (formerly Invitae), Labcorp
Classification: Uncertain significance for Fanconi anemia. Last evaluated: 2021-08-22. Review status: criteria provided, single submitter. Criteria: Invitae Variant Classification Sherloc (09022015). Collection method: clinical testing. Allele origin: germline.
Comment: This sequence change falls in intron 22 of the FANCD2 gene. It does not directly change the encoded amino acid sequence of the FANCD2 protein. It affects a nucleotide within the consensus splice site of the intron. This variant is not present in population databases (ExAC no frequency). This variant has not been reported in the literature in individuals affected with FANCD2-related conditions. Variants that disrupt the consensus splice site are a relatively common cause of aberrant splicing (PMID: 17576681, 9536098). Algorithms developed to predict the effect of sequence changes on RNA splicing suggest that this variant may disrupt the consensus splice site. In summary, the available evidence is currently insufficient to determine the role of this variant in disease. Therefore, it has been classified as a Variant of Uncertain Significance.

Literature cited by the submitters: PubMed 17576681; PubMed 9536098.

NM_001018115.3(FANCD2):c.2021+5G>A

Genes: FANCD2 (FA complementation group D2; plus strand), LOC107303338 (3p25 FANCD2 Alu-mediated recombination region; plus strand). Cytogenetic location: 3p25.3.
Variant type: single nucleotide variant.
Coding change: c.2021+5G>A on transcript NM_001018115.3 (MANE Select); 5 bases into the intron after coding-DNA position 2021, G replaced by A.
Molecular consequence: intron variant.
Genome position (GRCh38, 1-based): chr3:10,064,434, G>A. VCF-style: chr3-10064434-G-A. GRCh37 (hg19) VCF-style: chr3-10106118-G-A.
Other names: c.2021+5G>A (NM_001319984.2, NM_033084.6, NM_001374254.1); c.1910+5G>A (NM_001374253.1).
Identifiers: ClinVar variation 1436816 (VCV001436816.3), dbSNP rs1243372102, ClinGen allele CA896082257.